The following is an entry in ClinVar:

NM_004655.4(AXIN2):c.1642G>C (p.Glu548Gln)

Gene: AXIN2 (axin 2; minus strand). Cytogenetic location: 17q24.1.
Variant type: single nucleotide variant.
Coding change: c.1642G>C on transcript NM_004655.4 (MANE Select); coding-DNA position 1642, G replaced by C.
Protein change: p.Glu548Gln; replaces glutamic acid 548 with glutamine.
Molecular consequence: missense variant.
Genome position (GRCh38, 1-based): chr17:65,537,394, C>G on the plus strand (G>C on the coding strand, the complement: AXIN2 is on the minus strand). VCF-style: chr17-65537394-C-G. GRCh37 (hg19) VCF-style: chr17-63533512-C-G.
Other names: c.1642G>C, p.Glu548Gln (NM_001363813.1); short protein forms E548Q.
Identifiers: ClinVar variation 2131425 (VCV002131425.4), dbSNP rs367624903, ClinGen allele CA400677041.

ClinVar aggregate classification (germline): Uncertain significance (1 of 4 stars; one submission).

Conditions:
Oligodontia-cancer predisposition syndrome. Also called: TOOTH AGENESIS-COLORECTAL CANCER SYNDROME. Identifiers: Orphanet 300576, MedGen C1837750, MONDO:0012075, OMIM 608615. Disease mechanism: loss of function.

Submission:

Labcorp Genetics (formerly Invitae), Labcorp
Classification: Uncertain significance for Oligodontia-cancer predisposition syndrome. Last evaluated: 2023-08-17. Review status: criteria provided, single submitter. Criteria: Invitae Variant Classification Sherloc (09022015). Collection method: clinical testing. Allele origin: germline.
Comment: This variant has not been reported in the literature in individuals affected with AXIN2-related conditions. This sequence change replaces glutamic acid, which is acidic and polar, with glutamine, which is neutral and polar, at codon 548 of the AXIN2 protein (p.Glu548Gln). This variant is not present in population databases (gnomAD no frequency). ClinVar contains an entry for this variant (Variation ID: 2131425). Advanced modeling of protein sequence and biophysical properties (such as structural, functional, and spatial information, amino acid conservation, physicochemical variation, residue mobility, and thermodynamic stability) performed at Invitae indicates that this missense variant is not expected to disrupt AXIN2 protein function. In summary, the available evidence is currently insufficient to determine the role of this variant in disease. Therefore, it has been classified as a Variant of Uncertain Significance.